The following is an entry in ClinVar:

NM_201384.3(PLEC):c.12785T>C (p.Val4262Ala)

Gene: PLEC (plectin; minus strand). Cytogenetic location: 8q24.3.
Variant type: single nucleotide variant.
Coding change: c.12785T>C on transcript NM_201384.3 (MANE Select); coding-DNA position 12785, T replaced by C.
Protein change: p.Val4262Ala; replaces valine 4262 with alanine.
Molecular consequence: missense variant.
Genome position (GRCh38, 1-based): chr8:143,917,036, A>G on the plus strand (T>C on the coding strand, the complement: PLEC is on the minus strand). VCF-style: chr8-143917036-A-G. GRCh37 (hg19) VCF-style: chr8-144991204-A-G.
Other names: c.12866T>C, p.Val4289Ala (NM_000445.5); c.12743T>C, p.Val4248Ala (NM_201378.4); c.12719T>C, p.Val4240Ala (NM_201379.3); c.13196T>C, p.Val4399Ala (NM_201380.4); c.12689T>C, p.Val4230Ala (NM_201381.3); c.12785T>C, p.Val4262Ala (NM_201382.4); c.12797T>C, p.Val4266Ala (NM_201383.3); short protein forms V4230A, V4240A, V4262A, V4266A, V4289A, V4248A, V4399A.
Identifiers: ClinVar variation 650570 (VCV000650570.9), dbSNP rs1482281132, ClinGen allele CA372478888.

ClinVar aggregate classification (germline): Uncertain significance (1 of 4 stars; one submission).

Conditions:
Epidermolysis bullosa simplex, Ogna type (EBS5A). Also called: Pidermolysis bullosa simplex 5A, Ogna type; EPIDERMOLYSIS BULLOSA SIMPLEX 5A, OGNA TYPE. Identifiers: Orphanet 79401, MedGen C0432317, MONDO:0007555, OMIM 131950.
Epidermolysis bullosa simplex 5C, with pyloric atresia (EBS5C). Also called: Epidermolysis bullosa simplex with pyloric atresia; PLEC-Related Epidermolysis Bullosa with Pyloric Atresia; PLEC1-Related Epidermolysis Bullosa with Pyloric Atresia. Identifiers: Orphanet 158684, MedGen C2677349, MONDO:0012807, OMIM 612138.
Epidermolysis bullosa simplex with nail dystrophy (EBS5D). Identifiers: MedGen C4225309, MONDO:0014661, OMIM 616487.
Epidermolysis bullosa simplex 5B, with muscular dystrophy (EBS5B). Also called: EPIDERMOLYSIS BULLOSA SIMPLEX AND LIMB-GIRDLE MUSCULAR DYSTROPHY; Epidermolysis bullosa simplex with muscular dystrophy. Identifiers: Orphanet 257, MedGen C2931072, MONDO:0009181, OMIM 226670.
Autosomal recessive limb-girdle muscular dystrophy type 2Q (LGMDR17). Also called: MUSCULAR DYSTROPHY, LIMB-GIRDLE, AUTOSOMAL RECESSIVE 17. Identifiers: Orphanet 254361, MedGen C3150989, MONDO:0013390, OMIM 613723.

Allele frequency attached by ClinVar (database versions not stated): gnomAD exomes below 0.00001 and 0.00001; gnomAD 0.00001; TOPMed 0.00001.
gnomAD v4.1: 5 of 1,610,200 alleles (0.00031%); highest among the groups gnomAD compares: Non-Finnish European, 0.00042%; no homozygotes.

Submission:

Labcorp Genetics (formerly Invitae), Labcorp
Classification: Uncertain significance for Autosomal recessive limb-girdle muscular dystrophy type 2Q; Epidermolysis bullosa simplex, Ogna type; Epidermolysis bullosa simplex with nail dystrophy; Epidermolysis bullosa simplex 5C, with pyloric atresia; Epidermolysis bullosa simplex 5B, with muscular dystrophy. Last evaluated: 2022-07-12. Review status: criteria provided, single submitter. Criteria: Invitae Variant Classification Sherloc (09022015). Collection method: clinical testing. Allele origin: germline.
Comment: Algorithms developed to predict the effect of missense changes on protein structure and function output the following: SIFT: "Tolerated"; PolyPhen-2: "Benign"; Align-GVGD: "Class C0". The alanine amino acid residue is found in multiple mammalian species, which suggests that this missense change does not adversely affect protein function. ClinVar contains an entry for this variant (Variation ID: 650570). This variant has not been reported in the literature in individuals affected with PLEC-related conditions. This variant is present in population databases (no rsID available, gnomAD 0.002%). This sequence change replaces valine, which is neutral and non-polar, with alanine, which is neutral and non-polar, at codon 4289 of the PLEC protein (p.Val4289Ala). In summary, the available evidence is currently insufficient to determine the role of this variant in disease. Therefore, it has been classified as a Variant of Uncertain Significance.